The following is an entry in ClinVar:

NM_003803.4(MYOM1):c.238T>C (p.Ser80Pro)

Gene: MYOM1 (myomesin 1; minus strand). Cytogenetic location: 18p11.31.
Variant type: single nucleotide variant.
Coding change: c.238T>C on transcript NM_003803.4 (MANE Select); coding-DNA position 238, T replaced by C.
Protein change: p.Ser80Pro; replaces serine 80 with proline.
Molecular consequence: missense variant.
Genome position (GRCh38, 1-based): chr18:3,214,986, A>G on the plus strand (T>C on the coding strand, the complement: MYOM1 is on the minus strand). VCF-style: chr18-3214986-A-G. GRCh37 (hg19) VCF-style: chr18-3214984-A-G.
Other names: c.238T>C, p.Ser80Pro (NM_019856.2); short protein forms S80P.
Identifiers: ClinVar variation 4705727 (VCV004705727.1).

ClinVar aggregate classification (germline): Uncertain significance (1 of 4 stars; one submission).

Conditions:
Hypertrophic cardiomyopathy. Also called: HYPERTROPHIC MYOCARDIOPATHY. Identifiers: Orphanet 217569, MedGen C0007194, MeSH D002312, MONDO:0005045, HP:0001639.

Submission:

Labcorp Genetics (formerly Invitae), Labcorp
Classification: Uncertain significance for Hypertrophic cardiomyopathy. Last evaluated: 2025-04-17. Review status: criteria provided, single submitter. Criteria: Invitae Variant Classification Sherloc (09022015). Collection method: clinical testing. Allele origin: germline.
Comment: This sequence change replaces serine, which is neutral and polar, with proline, which is neutral and non-polar, at codon 80 of the MYOM1 protein (p.Ser80Pro). This variant is not present in population databases (gnomAD no frequency). This variant has not been reported in the literature in individuals affected with MYOM1-related conditions. An algorithm developed to predict the effect of missense changes on protein structure and function (PolyPhen-2) suggests that this variant is likely to be tolerated. In summary, the available evidence is currently insufficient to determine the role of this variant in disease. Therefore, it has been classified as a Variant of Uncertain Significance.